The following is an entry in ClinVar:

NM_000384.3(APOB):c.7986A>T (p.Thr2662=)

Gene: APOB (apolipoprotein B; minus strand). Cytogenetic location: 2p24.1.
Variant type: single nucleotide variant.
Coding change: c.7986A>T on transcript NM_000384.3 (MANE Select); coding-DNA position 7986, A replaced by T.
Protein change: p.Thr2662=; no amino-acid change (threonine 2662 retained).
Molecular consequence: synonymous variant.
Genome position (GRCh38, 1-based): chr2:21,008,882, T>A on the plus strand (A>T on the coding strand, the complement: APOB is on the minus strand). VCF-style: chr2-21008882-T-A. GRCh37 (hg19) VCF-style: chr2-21231754-T-A.
Identifiers: ClinVar variation 4992893 (VCV004992893.1), dbSNP rs1663225340.

ClinVar aggregate classification (germline): Likely benign (1 of 4 stars; one submission).

Conditions:
APOB-related disorder. Also called: APOB-related condition; APOB-related disorders.

Submission:

PreventionGenetics, part of Exact Sciences
Classification: Likely benign for APOB-related condition. Last evaluated: 2025-09-11. Review status: criteria provided, single submitter. Criteria: ACMG Guidelines, 2015. Collection method: clinical testing. Allele origin: germline.
Comment: This variant is classified as likely benign based on ACMG/AMP sequence variant interpretation guidelines (Richards et al. 2015 PMID: 25741868, with internal and published modifications).